The following is an entry in ClinVar:

ClinVar aggregate classification (germline): Likely benign. Review status: criteria provided, multiple submitters, no conflicts (2 of 4 stars). 2 submissions from 2 submitters: Likely benign (2). Last evaluated 2025-04-01.

Conditions:
Hereditary cancer-predisposing syndrome. Also called: Tumor predisposition; Hereditary neoplastic syndrome; Neoplastic Syndromes, Hereditary; Hereditary Cancer Syndrome. Identifiers: Orphanet 140162, MedGen C0027672, MeSH D009386, MONDO:0015356.

Submissions (2):

CeGaT Center for Human Genetics Tuebingen
Classification: Likely benign. Last evaluated: 2025-04-01. Review status: criteria provided, single submitter. Criteria: CeGaT Center For Human Genetics Tuebingen Variant Classification Criteria Version 2. Collection method: clinical testing. Allele origin: germline. Affected: yes. Observed: 1 variant allele.
Comment: TSC2: PM2:Supporting, BP4, BP7

Ambry Genetics
Classification: Likely benign for Hereditary cancer-predisposing syndrome. Last evaluated: 2018-04-30. Review status: criteria provided, single submitter. Criteria: Ambry Variant Classification Scheme 2023. Collection method: clinical testing. Allele origin: germline.

NM_000548.5(TSC2):c.378C>T (p.Val126=)

Gene: TSC2 (TSC complex subunit 2; plus strand). Cytogenetic location: 16p13.3.
Variant type: single nucleotide variant.
Coding change: c.378C>T on transcript NM_000548.5 (MANE Select); coding-DNA position 378, C replaced by T.
Protein change: p.Val126=; no amino-acid change (valine 126 retained).
Molecular consequence: synonymous variant. On other transcripts: intron variant (1).
Genome position (GRCh38, 1-based): chr16:2,054,337, C>T. VCF-style: chr16-2054337-C-T. GRCh37 (hg19) VCF-style: chr16-2104338-C-T.
Other names: c.378C>T, p.Val126= (NM_001077183.3, NM_001114382.3, NM_001363528.2 and 3 more transcripts); c.267C>T, p.Val89= (NM_001318827.2); c.231C>T, p.Val77= (NM_001318829.2); c.411C>T, p.Val137= (NM_001318832.2); c.-1-1859C>T (NM_001318831.2).
Identifiers: ClinVar variation 824209 (VCV000824209.11), dbSNP rs1222534983, ClinGen allele CA492955374.
Genomic context (GRCh38, chr16:2,054,337, plus strand): 5'-CTGTGGCTTTTGTCTTTAGGGCGAGCGTTTGGGGGTCCTCAGAGCCCTCTTCTTTAAGGT[C>T]ATCAAGGATTACCCTTCCAACGAAGACCTTCACGAAAGGCTGGAGGTTTTCAAGGCCCTC-3'
Protein context (NP_000539.2, residues 116-136): LGVLRALFFK[Val126=]IKDYPSNEDL